The following is an entry in ClinVar:

ClinVar aggregate classification (germline): Conflicting classifications of pathogenicity. Review status: criteria provided, conflicting classifications (1 of 4 stars). 2 submissions from 2 submitters: Uncertain significance (1); Likely benign (1). Last evaluated 2025-08-26.

Conditions:
Inborn genetic diseases. Identifiers: MedGen C0950123, MeSH D030342.

Allele frequency attached by ClinVar (database versions not stated): gnomAD exomes below 0.00001 and 0.00002; ExAC 0.00001; TOPMed 0.00004.
gnomAD v4.1: 26 of 1,605,464 alleles (0.0016%); highest among the groups gnomAD compares: Middle Eastern, 0.017%; no homozygotes.

Submissions (2):

Ambry Genetics
Classification: Uncertain significance for Inborn genetic diseases. Last evaluated: 2025-08-26. Review status: criteria provided, single submitter. Criteria: Ambry Variant Classification Scheme 2023. Collection method: clinical testing. Allele origin: germline.

GeneDx
Classification: Likely benign. Last evaluated: 2013-01-17. Review status: criteria provided, single submitter. Criteria: GeneDx Variant Classification (06012015). Collection method: clinical testing. Allele origin: germline. Affected: yes.
Comment: This variant is considered likely benign or benign based on one or more of the following criteria: it is a conservative change, it occurs at a poorly conserved position in the protein, it is predicted to be benign by multiple in silico algorithms, and/or has population frequency not consistent with disease.

NM_000126.4(ETFA):c.580G>A (p.Val194Met)

Gene: ETFA (electron transfer flavoprotein subunit alpha; minus strand). Cytogenetic location: 15q24.2.
Variant type: single nucleotide variant.
Coding change: c.580G>A on transcript NM_000126.4 (MANE Select); coding-DNA position 580, G replaced by A.
Protein change: p.Val194Met; replaces valine 194 with methionine.
Molecular consequence: missense variant.
Genome position (GRCh38, 1-based): chr15:76,285,721, C>T on the plus strand (G>A on the coding strand, the complement: ETFA is on the minus strand). VCF-style: chr15-76285721-C-T. GRCh37 (hg19) VCF-style: chr15-76578062-C-T.
Other names: p.V194M:GTG>ATG; c.433G>A, p.Val145Met (NM_001127716.2); short protein forms V194M, V145M.
Identifiers: ClinVar variation 203688 (VCV000203688.2), dbSNP rs753363278, ClinGen allele CA312479.